The following is an entry in ClinVar:

ClinVar aggregate classification (germline): Uncertain significance (1 of 4 stars; one submission).

gnomAD v4.1: 4 of 1,548,458 alleles (0.00026%); highest among the groups gnomAD compares: South Asian, 0.0024%; no homozygotes.

Submission:

GeneDx
Classification: Uncertain significance. Last evaluated: 2025-04-21. Review status: criteria provided, single submitter. Criteria: GeneDx Variant Classification Process June 2021. Collection method: clinical testing. Allele origin: germline. Affected: yes.
Comment: In silico analysis indicates that this missense variant does not alter protein structure/function; Has not been previously published as pathogenic or benign to our knowledge

NM_001009944.3(PKD1):c.6949C>T (p.Pro2317Ser)

Gene: PKD1 (polycystin 1, transient receptor potential channel interacting; minus strand). Cytogenetic location: 16p13.3.
Variant type: single nucleotide variant.
Coding change: c.6949C>T on transcript NM_001009944.3 (MANE Select); coding-DNA position 6949, C replaced by T.
Protein change: p.Pro2317Ser; replaces proline 2317 with serine.
Molecular consequence: missense variant.
Genome position (GRCh38, 1-based): chr16:2,107,999, G>A on the plus strand (C>T on the coding strand, the complement: PKD1 is on the minus strand). VCF-style: chr16-2107999-G-A. GRCh37 (hg19) VCF-style: chr16-2158000-G-A.
Other names: c.6949C>T, p.Pro2317Ser (NM_000296.4); short protein forms P2317S.
Identifiers: ClinVar variation 4527135 (VCV004527135.1).